The following is an entry in ClinVar:

ClinVar aggregate classification (germline): Uncertain significance. Review status: criteria provided, multiple submitters, no conflicts (2 of 4 stars). 3 submissions from 3 submitters: Uncertain significance (3). Last evaluated 2024-02-17.

Conditions:
Sitosterolemia (STSL). Also called: PHYTOSTEROLEMIA. Identifiers: Orphanet 2882, MedGen C0342907, MONDO:0008863.
Cardiovascular phenotype. Identifiers: MedGen CN230736.
Sitosterolemia 2. Identifiers: MedGen C5231453, MONDO:0020748, OMIM 618666.

Allele frequency attached by ClinVar (database versions not stated): gnomAD exomes below 0.00001; gnomAD 0.00003.
gnomAD v4.1: 5 of 1,614,094 alleles (0.00031%); highest among the groups gnomAD compares: African/African-American, 0.0067%; no homozygotes.

Submissions (3):

Labcorp Genetics (formerly Invitae), Labcorp
Classification: Uncertain significance for Sitosterolemia. Last evaluated: 2024-02-17. Review status: criteria provided, single submitter. Criteria: Invitae Variant Classification Sherloc (09022015). Collection method: clinical testing. Allele origin: germline.
Comment: This sequence change replaces threonine, which is neutral and polar, with serine, which is neutral and polar, at codon 227 of the ABCG5 protein (p.Thr227Ser). This variant is present in population databases (no rsID available, gnomAD 0.007%). This variant has not been reported in the literature in individuals affected with ABCG5-related conditions. ClinVar contains an entry for this variant (Variation ID: 2419973). An algorithm developed to predict the effect of missense changes on protein structure and function (PolyPhen-2) suggests that this variant is likely to be disruptive. In summary, the available evidence is currently insufficient to determine the role of this variant in disease. Therefore, it has been classified as a Variant of Uncertain Significance.

Revvity Omics, Revvity
Classification: Uncertain significance for Sitosterolemia 2. Last evaluated: 2023-04-11. Review status: criteria provided, single submitter. Criteria: ACMG Guidelines, 2015. Collection method: clinical testing. Allele origin: germline.

Ambry Genetics
Classification: Uncertain significance for Cardiovascular phenotype. Last evaluated: 2023-03-26. Review status: criteria provided, single submitter. Criteria: Ambry Variant Classification Scheme 2023. Collection method: clinical testing. Allele origin: germline.
Comment: The p.T227S variant (also known as c.680C>G), located in coding exon 6 of the ABCG5 gene, results from a C to G substitution at nucleotide position 680. The threonine at codon 227 is replaced by serine, an amino acid with similar properties. This amino acid position is conserved. In addition, this alteration is predicted to be tolerated by in silico analysis. Since supporting evidence is limited at this time, the clinical significance of this alteration remains unclear.

NM_022436.3(ABCG5):c.680C>G (p.Thr227Ser)

Genes: ABCG5 (ATP binding cassette subfamily G member 5; minus strand), DYNC2LI1 (dynein cytoplasmic 2 light intermediate chain 1; plus strand). Cytogenetic location: 2p21.
Variant type: single nucleotide variant.
Coding change: c.680C>G on transcript NM_022436.3 (MANE Select); coding-DNA position 680, C replaced by G.
Protein change: p.Thr227Ser; replaces threonine 227 with serine.
Molecular consequence: missense variant. On other transcripts: intron variant (2).
Genome position (GRCh38, 1-based): chr2:43,826,476, G>C on the plus strand (C>G on the coding strand, the complement: ABCG5 is on the minus strand). VCF-style: chr2-43826476-G-C. GRCh37 (hg19) VCF-style: chr2-44053615-G-C.
Other names: c.*16-910G>C (NM_001348913.2, NM_001348912.2); short protein forms T227S.
Identifiers: ClinVar variation 2419973 (VCV002419973.45), dbSNP rs895337448, ClinGen allele CA46465085.